The following is an entry in ClinVar:

NM_000554.6(CRX):c.*3279C>T

Gene: CRX (cone-rod homeobox; plus strand). Cytogenetic location: 19q13.33.
Variant type: single nucleotide variant.
Coding change: c.*3279C>T on transcript NM_000554.6 (MANE Select); 3279 bases downstream of the stop codon, C replaced by T.
Molecular consequence: 3 prime UTR variant.
Genome position (GRCh38, 1-based): chr19:47,843,246, C>T. VCF-style: chr19-47843246-C-T. GRCh37 (hg19) VCF-style: chr19-48346503-C-T.
Identifiers: ClinVar variation 329781 (VCV000329781.6), dbSNP rs11666316, ClinGen allele CA10643091.
Genomic context (GRCh38, chr19:47,843,246, plus strand): 5'-GTGGGGACAGAAGGAAGAAGCCAGGAGCCTCCCTGAGAAGGTGTCACCTTATCTGTCCTC[C>T]TCTTCCCCACACACTGGCCTCTGGGTCCCCCTTCTCTGTCCACCCACAGAGTGAAACCAA-3'

ClinVar aggregate classification (germline): Benign. Review status: criteria provided, multiple submitters, no conflicts (2 of 4 stars). 4 submissions from 2 submitters: Benign (4). Last evaluated 2018-01-13.

Conditions:
Cone-rod dystrophy 2 (CORD2). Also called: CONE-ROD RETINAL DYSTROPHY; Cone-rod retinal dystrophy 2. Identifiers: Orphanet 1872, MedGen C3489532, MONDO:0007362, OMIM 120970.
Leber congenital amaurosis 7 (LCA7). Identifiers: Orphanet 65, MedGen C3151192, MONDO:0013449, OMIM 613829.
Retinitis pigmentosa (RP). Identifiers: Orphanet 791, MedGen C0035334, MeSH D012174, MONDO:0019200, OMIM 268000. Inheritance: Autosomal dominant, autosomal recessive and X linked inheritance.

Allele frequency attached by ClinVar (database versions not stated): 1000 Genomes Project 0.21386; 1000 Genomes Project 30x 0.21690; TOPMed 0.29406; gnomAD 0.30116 and 0.30253; gnomAD exomes 0.41304.
gnomAD v4.1: 45,886 of 152,100 alleles (30%); highest among the groups gnomAD compares: Non-Finnish European, 40%; 7,922 homozygotes.

Submissions (4):

Illumina Laboratory Services, Illumina
Classification: Benign for Cone-rod dystrophy 2. Last evaluated: 2018-01-13. Review status: criteria provided, single submitter. Criteria: ICSL Variant Classification Criteria 13 December 2019. Collection method: clinical testing. Allele origin: germline.
Comment: This variant was observed in the ICSL laboratory as part of a predisposition screen in an ostensibly healthy population. It had not been previously curated by ICSL or reported in the Human Gene Mutation Database (HGMD: prior to June 1st, 2018), and was therefore a candidate for classification through an automated scoring system. Utilizing variant allele frequency, disease prevalence and penetrance estimates, and inheritance mode, an automated score was calculated to assess if this variant is too frequent to cause the disease. Based on the score and internal cut-off values, a variant classified as benign is not then subjected to further curation. The score for this variant resulted in a classification of benign for this disease.

Illumina Laboratory Services, Illumina
Classification: Benign for Retinitis pigmentosa. Last evaluated: 2018-01-13. Review status: criteria provided, single submitter. Criteria: ICSL Variant Classification Criteria 13 December 2019. Collection method: clinical testing. Allele origin: germline.
Comment: the same text as in the submission from Illumina Laboratory Services, Illumina above.

Illumina Laboratory Services, Illumina
Classification: Benign for Leber congenital amaurosis 7. Last evaluated: 2018-01-13. Review status: criteria provided, single submitter. Criteria: ICSL Variant Classification Criteria 13 December 2019. Collection method: clinical testing. Allele origin: germline.
Comment: the same text as in the submission from Illumina Laboratory Services, Illumina above.

Breakthrough Genomics
Classification: Benign. Review status: criteria provided, single submitter. Criteria: ACMG Guidelines, 2015. Collection method: not provided. Allele origin: germline. Inheritance: Autosomal dominant inheritance. Affected: yes.